The following is an entry in ClinVar:

NM_004655.4(AXIN2):c.1628_1630delinsTTT (p.Cys543_Pro544delinsPheSer)

Gene: AXIN2 (axin 2; minus strand). Cytogenetic location: 17q24.1.
Variant type: Indel.
Coding change: c.1628_1630delinsTTT on transcript NM_004655.4 (MANE Select); coding-DNA positions 1628 to 1630, GCC replaced by TTT.
Protein change: p.Cys543_Pro544delinsPheSer.
Molecular consequence: missense variant.
Genome position (GRCh38, 1-based): chr17:65,537,406-65,537,408, GGC replaced by AAA on the plus strand (GCC replaced by TTT on the coding strand, the reverse complement: AXIN2 is on the minus strand). VCF-style: chr17-65537406-GGC-AAA. GRCh37 (hg19) VCF-style: chr17-63533524-GGC-AAA.
Other names: c.1628_1630delinsTTT, p.Cys543_Pro544delinsPheSer (NM_001363813.1).
Identifiers: ClinVar variation 2862752 (VCV002862752.3), dbSNP rs2509411932, ClinGen allele CA2739268334.

ClinVar aggregate classification (germline): Uncertain significance (1 of 4 stars; one submission).

Conditions:
Oligodontia-cancer predisposition syndrome. Also called: TOOTH AGENESIS-COLORECTAL CANCER SYNDROME. Identifiers: Orphanet 300576, MedGen C1837750, MONDO:0012075, OMIM 608615. Disease mechanism: loss of function.

Submission:

Labcorp Genetics (formerly Invitae), Labcorp
Classification: Uncertain significance for Oligodontia-cancer predisposition syndrome. Last evaluated: 2023-05-09. Review status: criteria provided, single submitter. Criteria: Invitae Variant Classification Sherloc (09022015). Collection method: clinical testing. Allele origin: germline.
Comment: This variant, c.1628_1630delinsTTT, is a complex sequence change that results in the deletion of 2 and insertion of 2 amino acid(s) in the AXIN2 protein (p.Cys543_Pro544delinsPheSer). Information on the frequency of this variant in the gnomAD database is not available, as this variant may be reported differently in the database. In summary, the available evidence is currently insufficient to determine the role of this variant in disease. Therefore, it has been classified as a Variant of Uncertain Significance. Experimental studies and prediction algorithms are not available or were not evaluated, and the functional significance of this variant is currently unknown. This variant has not been reported in the literature in individuals affected with AXIN2-related conditions.